The following is an entry in ClinVar:

ClinVar aggregate classification (germline): Uncertain significance. Review status: criteria provided, multiple submitters, no conflicts (2 of 4 stars). 2 submissions from 2 submitters: Uncertain significance (2). Last evaluated 2024-02-16.

Conditions:
Senior-Loken syndrome 8 (SLSN8). Identifiers: Orphanet 3156, MedGen C4225376, MONDO:0014579, OMIM 616307.
Asphyxiating thoracic dystrophy 5 (SRTD5). Also called: SHORT-RIB THORACIC DYSPLASIA 5 WITH OR WITHOUT POLYDACTYLY; SHORT-RIB THORACIC DYSPLASIA 5 WITHOUT POLYDACTYLY. Identifiers: Orphanet 474, MedGen C3280598, MONDO:0013717, OMIM 614376.

Allele frequency attached by ClinVar (database versions not stated): TOPMed below 0.00001.

Submissions (2):

3billion
Classification: Uncertain significance for Senior-Loken syndrome 8. Last evaluated: 2024-02-16. Review status: criteria provided, single submitter. Criteria: ACMG Guidelines, 2015. Collection method: clinical testing. Allele origin: germline. Affected: yes.
Comment: The variant is not observed in the gnomAD v2.1.1 dataset. Predicted Consequence/Location: Missense variant In silico tool predictions suggest damaging effect of the variant on gene or gene product [REVEL: 0.90 (>=0.6, sensitivity 0.68 and specificity 0.92); 3Cnet: 0.93 (>=0.6, sensitivity 0.72 and precision 0.9)]. Therefore, this variant is classified as VUS according to the recommendation of ACMG/AMP guideline.

Labcorp Genetics (formerly Invitae), Labcorp
Classification: Uncertain significance for Senior-Loken syndrome 8; Asphyxiating thoracic dystrophy 5. Last evaluated: 2020-08-31. Review status: criteria provided, single submitter. Criteria: Invitae Variant Classification Sherloc (09022015). Collection method: clinical testing. Allele origin: germline.
Comment: This variant is not present in population databases (ExAC no frequency). This sequence change replaces tyrosine with cysteine at codon 1157 of the WDR19 protein (p.Tyr1157Cys). The tyrosine residue is highly conserved and there is a large physicochemical difference between tyrosine and cysteine. In summary, the available evidence is currently insufficient to determine the role of this variant in disease. Therefore, it has been classified as a Variant of Uncertain Significance. Algorithms developed to predict the effect of missense changes on protein structure and function (SIFT, PolyPhen-2, Align-GVGD) all suggest that this variant is likely to be disruptive, but these predictions have not been confirmed by published functional studies and their clinical significance is uncertain. This variant has not been reported in the literature in individuals with WDR19-related conditions. ClinVar contains an entry for this variant (Variation ID: 853680).

NM_025132.4(WDR19):c.3470A>G (p.Tyr1157Cys)

Gene: WDR19 (WD repeat domain 19; plus strand). Cytogenetic location: 4p14.
Variant type: single nucleotide variant.
Coding change: c.3470A>G on transcript NM_025132.4 (MANE Select); coding-DNA position 3470, A replaced by G.
Protein change: p.Tyr1157Cys; replaces tyrosine 1157 with cysteine.
Molecular consequence: missense variant.
Genome position (GRCh38, 1-based): chr4:39,270,087, A>G. VCF-style: chr4-39270087-A-G. GRCh37 (hg19) VCF-style: chr4-39271707-A-G.
Other names: c.2990A>G, p.Tyr997Cys (NM_001317924.2); short protein forms Y1157C, Y997C.
Identifiers: ClinVar variation 853680 (VCV000853680.10), dbSNP rs1735198326, ClinGen allele CA356646522.